The following is an entry in ClinVar:

NM_003079.5(SMARCE1):c.142A>G (p.Asn48Asp)

Gene: SMARCE1 (SWI/SNF related BAF chromatin remodeling complex subunit E1; minus strand). Cytogenetic location: 17q21.2.
Variant type: single nucleotide variant.
Coding change: c.142A>G on transcript NM_003079.5 (MANE Select); coding-DNA position 142, A replaced by G.
Protein change: p.Asn48Asp; replaces asparagine 48 with aspartic acid.
Molecular consequence: missense variant.
Genome position (GRCh38, 1-based): chr17:40,642,469, T>C on the plus strand (A>G on the coding strand, the complement: SMARCE1 is on the minus strand). VCF-style: chr17-40642469-T-C. GRCh37 (hg19) VCF-style: chr17-38798721-T-C.
Other names: short protein forms N48D.
Identifiers: ClinVar variation 2626162 (VCV002626162.2), dbSNP rs2508613475, ClinGen allele CA399369589.

ClinVar aggregate classification (germline): Uncertain significance (1 of 4 stars; one submission).

Conditions:
Hereditary cancer-predisposing syndrome. Also called: Tumor predisposition; Hereditary Cancer Syndrome; Hereditary neoplastic syndrome; Neoplastic Syndromes, Hereditary. Identifiers: Orphanet 140162, MedGen C0027672, MeSH D009386, MONDO:0015356.

Submission:

Ambry Genetics
Classification: Uncertain significance for Hereditary cancer-predisposing syndrome. Last evaluated: 2023-08-22. Review status: criteria provided, single submitter. Criteria: Ambry Variant Classification Scheme 2023. Collection method: clinical testing. Allele origin: germline.
Comment: The p.N48D variant (also known as c.142A>G), located in coding exon 3 of the SMARCE1 gene, results from an A to G substitution at nucleotide position 142. The asparagine at codon 48 is replaced by aspartic acid, an amino acid with highly similar properties. This amino acid position is highly conserved in available vertebrate species. In addition, this alteration is predicted to be tolerated by in silico analysis. Missense and in-frame variants in SMARCE1 are known to cause neurodevelopmental disorders; however, such associations with increased risk of meningiomas are exceedingly rare (Kosho T et al. Am J Med Genet C Semin Med Genet. 2014 Sep;166C(3):262-75; Smith JM et al. Nat Genet. 2013 Mar;45(3):295-8). Based on the supporting evidence, the association of this alteration with Coffin-Siris syndrome is unknown; however, the association of this alteration with an increased risk of meningiomas is unlikely.